The following is an entry in ClinVar:

NM_182916.3(TRNT1):c.1051A>G (p.Ile351Val)

Gene: TRNT1 (tRNA nucleotidyl transferase 1; plus strand). Cytogenetic location: 3p26.2.
Variant type: single nucleotide variant.
Coding change: c.1051A>G on transcript NM_182916.3 (MANE Select); coding-DNA position 1051, A replaced by G.
Protein change: p.Ile351Val; replaces isoleucine 351 with valine.
Molecular consequence: missense variant. On other transcripts: non-coding transcript variant (8).
Genome position (GRCh38, 1-based): chr3:3,147,698, A>G. VCF-style: chr3-3147698-A-G. GRCh37 (hg19) VCF-style: chr3-3189382-A-G.
Other names: c.991A>G, p.Ile331Val (NM_001302946.2); c.1051A>G, p.Ile351Val (NM_001367321.1, NM_001367322.1, NM_001367323.1); short protein forms I331V, I351V.
Identifiers: ClinVar variation 2135719 (VCV002135719.3), dbSNP rs1417182640, ClinGen allele CA351448397.

ClinVar aggregate classification (germline): Uncertain significance (1 of 4 stars; one submission).

Conditions:
Congenital sideroblastic anemia-B-cell immunodeficiency-periodic fever-developmental delay syndrome. Also called: Sideroblastic anemia with B-cell immunodeficiency, periodic fevers, and developmental delay. Identifiers: Orphanet 369861, MedGen C4015172, MONDO:0014487, OMIM 616084.

Allele frequency attached by ClinVar (database versions not stated): gnomAD exomes 0.00001.
gnomAD v4.1: 3 of 1,610,570 alleles (0.00019%); highest among the groups gnomAD compares: Non-Finnish European, 0.00025%; no homozygotes.

Submission:

Labcorp Genetics (formerly Invitae), Labcorp
Classification: Uncertain significance for Congenital sideroblastic anemia-B-cell immunodeficiency-periodic fever-developmental delay syndrome. Last evaluated: 2025-11-18. Review status: criteria provided, single submitter. Criteria: Invitae Variant Classification Sherloc (09022015). Collection method: clinical testing. Allele origin: germline.
Comment: This sequence change replaces isoleucine, which is neutral and non-polar, with valine, which is neutral and non-polar, at codon 351 of the TRNT1 protein (p.Ile351Val). This variant is present in population databases (no rsID available, gnomAD 0.0009%). This variant has not been reported in the literature in individuals affected with TRNT1-related conditions. ClinVar contains an entry for this variant (Variation ID: 2135719). Invitae Evidence Modeling of protein sequence and biophysical properties (such as structural, functional, and spatial information, amino acid conservation, physicochemical variation, residue mobility, and thermodynamic stability) indicates that this missense variant is not expected to disrupt TRNT1 protein function with a negative predictive value of 80%. In summary, the available evidence is currently insufficient to determine the role of this variant in disease. Therefore, it has been classified as a Variant of Uncertain Significance.